The following is an entry in ClinVar:

NM_001080414.4(CCDC88C):c.755dup (p.Ala253fs)

Gene: CCDC88C (coiled-coil and HOOK domain protein 88C; minus strand). Cytogenetic location: 14q32.11.
Variant type: Duplication.
Coding change: c.755dup on transcript NM_001080414.4 (MANE Select); coding-DNA position 755, one base duplicated (T; older notation c.755dupT).
Protein change: p.Ala253fs; shifts the reading frame from alanine 253.
Molecular consequence: frameshift variant.
Genome position (GRCh38, 1-based): chr14:91,339,332, A duplicated on the plus strand (T on the coding strand, the reverse complement: CCDC88C is on the minus strand). VCF-style (leftmost placement, unchanged base first): chr14-91339331-C-CA. GRCh37 (hg19) VCF-style: chr14-91805675-C-CA.
Other names: c.755dupT (NM_001080414.3); c.755dup (NM_001080414.3); short protein forms A253fs.
Identifiers: ClinVar variation 524092 (VCV000524092.5), dbSNP rs1555422946, ClinGen allele CA615723266.

ClinVar aggregate classification (germline): Pathogenic/Likely pathogenic. Review status: criteria provided, multiple submitters, no conflicts (2 of 4 stars). 3 submissions from 3 submitters: Pathogenic (1); Likely pathogenic (2). Last evaluated 2026-07-27.

Conditions:
Spinocerebellar ataxia type 40. Identifiers: Orphanet 423275, MedGen C4518336, MONDO:0014475, OMIM 616053.
Hydrocephalus, nonsyndromic, autosomal recessive 1 (HYC1). Also called: Hydrocephalus, nonsyndromic, autosomal recessive; Congenital hydrocephalus 1. Identifiers: Orphanet 2185, MedGen C3887608, MONDO:0009360, OMIM 236600.

Allele frequency attached by ClinVar (database versions not stated): gnomAD exomes below 0.00001; TOPMed below 0.00001; gnomAD 0.00001.

Submissions (3):

Myriad Genetics, Inc.
Classification: Pathogenic for Hydrocephalus, nonsyndromic, autosomal recessive 1. Last evaluated: 2026-07-27. Review status: criteria provided, single submitter. Criteria: Myriad Autosomal Dominant, Autosomal Recessive and X-Linked Classification Criteria (2023). Collection method: clinical testing. Allele origin: unknown.
Comment: NM_001080414.3(CCDC88C):c.755dupT(A253Gfs*21) is a frameshift variant classified as pathogenic in the context of congenital hydrocephalus, CCDC88C-related. A253Gfs*21 has not been observed in cases with relevant disease. Relevant functional assessments of this variant are not available in the literature. A253Gfs*21 has been observed in referenced population frequency databases. In summary, NM_001080414.3(CCDC88C):c.755dupT(A253Gfs*21) is a frameshift variant in a gene where loss of function is a known mechanism of disease and is predicted to disrupt protein function. Please note: this variant was assessed in the context of healthy population screening.

GeneDx
Classification: Likely pathogenic. Last evaluated: 2024-12-09. Review status: criteria provided, single submitter. Criteria: GeneDx Variant Classification Process June 2021. Collection method: clinical testing. Allele origin: germline. Affected: yes.
Comment: Frameshift variant predicted to result in protein truncation or nonsense mediated decay in a gene for which loss of function is a known mechanism of disease; Not observed at significant frequency in large population cohorts (gnomAD); Has not been previously published as pathogenic or benign to our knowledge

Fulgent Genetics
Classification: Likely pathogenic for Hydrocephalus, nonsyndromic, autosomal recessive 1; Spinocerebellar ataxia type 40. Last evaluated: 2024-05-22. Review status: criteria provided, single submitter. Criteria: ACMG Guidelines, 2015. Collection method: clinical testing. Allele origin: germline.